The following is an entry in ClinVar:

ClinVar aggregate classification (germline): Uncertain significance (1 of 4 stars; one submission).

Conditions:
Catecholaminergic polymorphic ventricular tachycardia 1. Also called: VENTRICULAR TACHYCARDIA, CATECHOLAMINERGIC POLYMORPHIC, 1, WITH OR WITHOUT ATRIAL DYSFUNCTION AND/OR DILATED CARDIOMYOPATHY; VENTRICULAR TACHYCARDIA, STRESS-INDUCED POLYMORPHIC 1; RYR2-Related Catecholaminergic Polymorphic Ventricular Tachycardia. Identifiers: Orphanet 3286, MedGen C1631597, MONDO:0011484, OMIM 604772.

Submission:

Labcorp Genetics (formerly Invitae), Labcorp
Classification: Uncertain significance for Catecholaminergic polymorphic ventricular tachycardia 1. Last evaluated: 2023-11-08. Review status: criteria provided, single submitter. Criteria: Invitae Variant Classification Sherloc (09022015). Collection method: clinical testing. Allele origin: germline.
Comment: This sequence change replaces serine, which is neutral and polar, with alanine, which is neutral and non-polar, at codon 53 of the RYR2 protein (p.Ser53Ala). This variant is not present in population databases (gnomAD no frequency). This variant has not been reported in the literature in individuals affected with RYR2-related conditions. Advanced modeling of protein sequence and biophysical properties (such as structural, functional, and spatial information, amino acid conservation, physicochemical variation, residue mobility, and thermodynamic stability) performed at Invitae indicates that this missense variant is expected to disrupt RYR2 protein function with a positive predictive value of 95%. In summary, the available evidence is currently insufficient to determine the role of this variant in disease. Therefore, it has been classified as a Variant of Uncertain Significance.

NM_001035.3(RYR2):c.157T>G (p.Ser53Ala)

Gene: RYR2 (ryanodine receptor 2; plus strand). Cytogenetic location: 1q43.
Variant type: single nucleotide variant.
Coding change: c.157T>G on transcript NM_001035.3 (MANE Select); coding-DNA position 157, T replaced by G.
Protein change: p.Ser53Ala; replaces serine 53 with alanine.
Molecular consequence: missense variant.
Genome position (GRCh38, 1-based): chr1:237,270,605, T>G. VCF-style: chr1-237270605-T-G. GRCh37 (hg19) VCF-style: chr1-237433905-T-G.
Other names: short protein forms S53A.
Identifiers: ClinVar variation 2694296 (VCV002694296.3), dbSNP rs2528051808, ClinGen allele CA345654495.